The following is an entry in ClinVar:

ClinVar aggregate classification (germline): Uncertain significance (1 of 4 stars; one submission).

Submission:

Labcorp Genetics (formerly Invitae), Labcorp
Classification: Uncertain significance. Last evaluated: 2024-11-16. Review status: criteria provided, single submitter. Criteria: Invitae Variant Classification Sherloc (09022015). Collection method: clinical testing. Allele origin: germline.
Comment: This sequence change replaces glutamic acid, which is acidic and polar, with lysine, which is basic and polar, at codon 308 of the GPR101 protein (p.Glu308Lys). This variant is not present in population databases (gnomAD no frequency). This variant has not been reported in the literature in individuals affected with GPR101-related conditions. An algorithm developed to predict the effect of missense changes on protein structure and function (PolyPhen-2) suggests that this variant is likely to be tolerated. In summary, the available evidence is currently insufficient to determine the role of this variant in disease. Therefore, it has been classified as a Variant of Uncertain Significance.

NM_054021.2(GPR101):c.922G>A (p.Glu308Lys)

Gene: GPR101 (G protein-coupled receptor 101; minus strand). Cytogenetic location: Xq26.3.
Variant type: single nucleotide variant.
Coding change: c.922G>A on transcript NM_054021.2 (MANE Select); coding-DNA position 922, G replaced by A.
Protein change: p.Glu308Lys; replaces glutamic acid 308 with lysine.
Molecular consequence: missense variant.
Genome position (GRCh38, 1-based): chrX:137,030,753, C>T on the plus strand (G>A on the coding strand, the complement: GPR101 is on the minus strand). VCF-style: chrX-137030753-C-T. GRCh37 (hg19) VCF-style: chrX-136112912-C-T.
Other names: short protein forms E308K.
Identifiers: ClinVar variation 3724936 (VCV003724936.2).